The following is an entry in ClinVar:

NM_198721.4(COL25A1):c.1698C>A (p.Pro566=)

Gene: COL25A1 (collagen type XXV alpha 1 chain; minus strand). Cytogenetic location: 4q25.
Variant type: single nucleotide variant.
Coding change: c.1698C>A on transcript NM_198721.4 (MANE Select); coding-DNA position 1698, C replaced by A.
Protein change: p.Pro566=; no amino-acid change (proline 566 retained).
Molecular consequence: synonymous variant. On other transcripts: non-coding transcript variant (1).
Genome position (GRCh38, 1-based): chr4:108,832,392, G>T on the plus strand (C>A on the coding strand, the complement: COL25A1 is on the minus strand). VCF-style: chr4-108832392-G-T. GRCh37 (hg19) VCF-style: chr4-109753548-G-T.
Other names: c.1734C>A, p.Pro578= (NM_001256074.3); c.1698C>A, p.Pro566= (NM_032518.4).
Identifiers: ClinVar variation 738694 (VCV000738694.4), dbSNP rs368284407, ClinGen allele CA3039113.

ClinVar aggregate classification (germline): Likely benign. Review status: criteria provided, multiple submitters, no conflicts (2 of 4 stars). 2 submissions from 2 submitters: Likely benign (2). Last evaluated 2026-09-12.

Conditions:
COL25A1-related disorder. Also called: COL25A1-related condition.

Allele frequency attached by ClinVar (database versions not stated): 1000 Genomes Project 30x 0.00016; gnomAD exomes 0.00017; 1000 Genomes Project 0.00020; ExAC 0.00021; gnomAD 0.00045 and 0.00048; TOPMed 0.00056; ESP Exome Variant Server 0.00076.
gnomAD v4.1: 152 of 1,610,564 alleles (0.0094%); highest among the groups gnomAD compares: African/African-American, 0.17%; no homozygotes.

Submissions (2):

PreventionGenetics, part of Exact Sciences
Classification: Likely benign for COL25A1-related condition. Last evaluated: 2026-09-12. Review status: criteria provided, single submitter. Criteria: ACMG Guidelines, 2015. Collection method: clinical testing. Allele origin: germline.
Comment: This variant is classified as likely benign based on ACMG/AMP sequence variant interpretation guidelines (Richards et al. 2015 PMID: 25741868, with internal and published modifications).

Labcorp Genetics (formerly Invitae), Labcorp
Classification: Likely benign. Last evaluated: 2018-05-21. Review status: criteria provided, single submitter. Criteria: Invitae Variant Classification Sherloc (09022015). Collection method: clinical testing. Allele origin: germline.